The following is an entry in ClinVar:

ClinVar aggregate classification (germline): Uncertain significance (1 of 4 stars; one submission).

Allele frequency attached by ClinVar (database versions not stated): TOPMed below 0.00001; gnomAD exomes 0.00002; gnomAD 0.00001.
gnomAD v4.1: 39 of 1,613,894 alleles (0.0024%); highest among the groups gnomAD compares: Non-Finnish European, 0.0029%; no homozygotes.

Submission:

Labcorp Genetics (formerly Invitae), Labcorp
Classification: Uncertain significance. Last evaluated: 2025-07-22. Review status: criteria provided, single submitter. Criteria: Invitae Variant Classification Sherloc (09022015). Collection method: clinical testing. Allele origin: germline.
Comment: This sequence change replaces tyrosine, which is neutral and polar, with histidine, which is basic and polar, at codon 793 of the MYLK3 protein (p.Tyr793His). This variant is present in population databases (rs774352112, gnomAD 0.002%). This variant has not been reported in the literature in individuals affected with MYLK3-related conditions. ClinVar contains an entry for this variant (Variation ID: 3000192). An algorithm developed to predict the effect of missense changes on protein structure and function (PolyPhen-2) suggests that this variant is likely to be disruptive. In summary, the available evidence is currently insufficient to determine the role of this variant in disease. Therefore, it has been classified as a Variant of Uncertain Significance.

NM_182493.3(MYLK3):c.2377T>C (p.Tyr793His)

Gene: MYLK3 (myosin light chain kinase 3; minus strand). Cytogenetic location: 16q11.2.
Variant type: single nucleotide variant.
Coding change: c.2377T>C on transcript NM_182493.3 (MANE Select); coding-DNA position 2377, T replaced by C.
Protein change: p.Tyr793His; replaces tyrosine 793 with histidine.
Molecular consequence: missense variant.
Genome position (GRCh38, 1-based): chr16:46,709,562, A>G on the plus strand (T>C on the coding strand, the complement: MYLK3 is on the minus strand). VCF-style: chr16-46709562-A-G. GRCh37 (hg19) VCF-style: chr16-46743474-A-G.
Other names: c.1354T>C, p.Tyr452His (NM_001308301.1); short protein forms Y793H, Y452H.
Identifiers: ClinVar variation 3000192 (VCV003000192.3), dbSNP rs774352112, ClinGen allele CA280203897.